The following is an entry in ClinVar:

NM_003072.5(SMARCA4):c.2155G>A (p.Gly719Ser)

Gene: SMARCA4 (SWI/SNF related BAF chromatin remodeling complex subunit ATPase 4; plus strand). Cytogenetic location: 19p13.2.
Variant type: single nucleotide variant.
Coding change: c.2155G>A on transcript NM_003072.5 (MANE Select); coding-DNA position 2155, G replaced by A.
Protein change: p.Gly719Ser; replaces glycine 719 with serine.
Molecular consequence: missense variant. On other transcripts: non-coding transcript variant (1).
Genome position (GRCh38, 1-based): chr19:11,010,412, G>A. VCF-style: chr19-11010412-G-A. GRCh37 (hg19) VCF-style: chr19-11121088-G-A.
Other names: c.2155G>A, p.Gly719Ser (NM_001128844.3, NM_001128845.2, NM_001128846.2 and 6 more transcripts); short protein forms G719S.
Identifiers: ClinVar variation 2125863 (VCV002125863.4), dbSNP rs2088712670, ClinGen allele CA404052722.
Genomic context (GRCh38, chr19:11,010,412, plus strand): 5'-CTTACCCGGCACCTCCATCTCACTCCCAGGAATGCCAAGCAAGATGTCGATGATGAATAT[G>A]GCGTGTCCCAGGCCCTTGCACGTGGCCTGCAGTCCTACTATGCCGTGGCCCATGCTGTCA-3'
Protein context (NP_003063.2, residues 709-729): NAKQDVDDEY[Gly719Ser]VSQALARGLQ

ClinVar aggregate classification (germline): Uncertain significance (1 of 4 stars; one submission).

Conditions:
Rhabdoid tumor predisposition syndrome 2 (RTPS2). Identifiers: Orphanet 231108, Orphanet 69077, MedGen C2750074, MONDO:0013224, OMIM 613325.

Submission:

Labcorp Genetics (formerly Invitae), Labcorp
Classification: Uncertain significance for Rhabdoid tumor predisposition syndrome 2. Last evaluated: 2022-04-13. Review status: criteria provided, single submitter. Criteria: Invitae Variant Classification Sherloc (09022015). Collection method: clinical testing. Allele origin: germline.
Comment: Algorithms developed to predict the effect of missense changes on protein structure and function (SIFT, PolyPhen-2, Align-GVGD) all suggest that this variant is likely to be tolerated. In summary, the available evidence is currently insufficient to determine the role of this variant in disease. Therefore, it has been classified as a Variant of Uncertain Significance. This variant has not been reported in the literature in individuals affected with SMARCA4-related conditions. This variant is not present in population databases (gnomAD no frequency). This sequence change replaces glycine, which is neutral and non-polar, with serine, which is neutral and polar, at codon 719 of the SMARCA4 protein (p.Gly719Ser).